The following is an entry in ClinVar:

NM_033655.5(CNTNAP3):c.845C>T (p.Thr282Met)

Gene: CNTNAP3 (contactin associated protein family member 3). Cytogenetic location: 9p12.
Variant type: single nucleotide variant.
Coding change: c.845C>T on transcript NM_033655.5 (MANE Select); coding-DNA position 845, C replaced by T.
Protein change: p.Thr282Met; replaces threonine 282 with methionine.
Molecular consequence: missense variant.
Genome position (GRCh38, 1-based): chr9:39,177,400, G>A on the plus strand (C>T on the coding strand, the complement: CNTNAP3 is on the minus strand). VCF-style: chr9-39177400-G-A. GRCh37 (hg19) VCF-style: chr9-39177397-G-A.
Other names: c.845C>T, p.Thr282Met (NM_001393379.1); short protein forms T282M.
Identifiers: ClinVar variation 2659205 (VCV002659205.24), dbSNP rs142916211, ClinGen allele CA192311730.

ClinVar aggregate classification (germline): Likely benign (1 of 4 stars; one submission).

Allele frequency attached by ClinVar (database versions not stated): 1000 Genomes Project 0.00160; ESP Exome Variant Server 0.00515; gnomAD exomes 0.00535; ExAC 0.00578.

Submission:

CeGaT Center for Human Genetics Tuebingen
Classification: Likely benign. Last evaluated: 2023-10-01. Review status: criteria provided, single submitter. Criteria: CeGaT Center For Human Genetics Tuebingen Variant Classification Criteria Version 2. Collection method: clinical testing. Allele origin: germline. Affected: yes. Observed: 1 variant allele.
Comment: CNTNAP3: BP4, BS2